The following is an entry in ClinVar:

NM_005956.4(MTHFD1):c.2183T>A (p.Leu728Gln)

Gene: MTHFD1 (methylenetetrahydrofolate dehydrogenase, cyclohydrolase and formyltetrahydrofolate synthetase 1; plus strand). Cytogenetic location: 14q23.3.
Variant type: single nucleotide variant.
Coding change: c.2183T>A on transcript NM_005956.4 (MANE Select); coding-DNA position 2183, T replaced by A.
Protein change: p.Leu728Gln; replaces leucine 728 with glutamine.
Molecular consequence: missense variant.
Genome position (GRCh38, 1-based): chr14:64,448,221, T>A. VCF-style: chr14-64448221-T-A. GRCh37 (hg19) VCF-style: chr14-64914939-T-A.
Other names: c.2183T>A, p.Leu728Gln (NM_001364837.1); short protein forms L728Q.
Identifiers: ClinVar variation 2071192 (VCV002071192.2), dbSNP rs765489316, ClinGen allele CA7226532.

ClinVar aggregate classification (germline): Uncertain significance (1 of 4 stars; one submission).

Allele frequency attached by ClinVar (database versions not stated): TOPMed 0.00006; gnomAD 0.00004.
gnomAD v4.1: 21 of 1,613,166 alleles (0.0013%); highest among the groups gnomAD compares: East Asian, 0.045%; no homozygotes.

Submissions (2):

Labcorp Genetics (formerly Invitae), Labcorp
Classification: Uncertain significance. Last evaluated: 2022-04-18. Review status: criteria provided, single submitter. Criteria: Invitae Variant Classification Sherloc (09022015). Collection method: clinical testing. Allele origin: germline.
Comment: This sequence change replaces leucine, which is neutral and non-polar, with glutamine, which is neutral and polar, at codon 728 of the MTHFD1 protein (p.Leu728Gln). This variant is present in population databases (rs765489316, gnomAD 0.1%). This variant has not been reported in the literature in individuals affected with MTHFD1-related conditions. Algorithms developed to predict the effect of missense changes on protein structure and function are either unavailable or do not agree on the potential impact of this missense change (SIFT: "Deleterious"; PolyPhen-2: "Probably Damaging"; Align-GVGD: "Class C0"). In summary, the available evidence is currently insufficient to determine the role of this variant in disease. Therefore, it has been classified as a Variant of Uncertain Significance.

Dr. Peter K. Rogan Lab, Western University
No classification provided (evidence only). Condition: Hepatocellular carcinoma. Review status: no classification provided. Collection method: in vitro. Allele origin: not applicable. Functional consequence: retained intron. Not counted in ClinVar's aggregate classification.